The following is an entry in ClinVar:

NM_021831.6(AGBL5):c.1567C>T (p.Arg523Cys)

Gene: AGBL5 (AGBL carboxypeptidase 5; plus strand). Cytogenetic location: 2p23.3.
Variant type: single nucleotide variant.
Coding change: c.1567C>T on transcript NM_021831.6 (MANE Select); coding-DNA position 1567, C replaced by T.
Protein change: p.Arg523Cys; replaces arginine 523 with cysteine.
Molecular consequence: missense variant. On other transcripts: non-coding transcript variant (2).
Genome position (GRCh38, 1-based): chr2:27,057,334, C>T. VCF-style: chr2-27057334-C-T. GRCh37 (hg19) VCF-style: chr2-27280202-C-T.
Other names: c.1567C>T, p.Arg523Cys (NM_001035507.3); short protein forms R523C.
Identifiers: ClinVar variation 943364 (VCV000943364.9), dbSNP rs142022074, ClinGen allele CA1567906.

ClinVar aggregate classification (germline): Uncertain significance. Review status: criteria provided, multiple submitters, no conflicts (2 of 4 stars). 3 submissions from 3 submitters: Uncertain significance (3). Last evaluated 2026-01-05.

Conditions:
Inborn genetic diseases. Identifiers: MedGen C0950123, MeSH D030342.

Allele frequency attached by ClinVar (database versions not stated): ExAC 0.00005; gnomAD exomes 0.00005 and 0.00006; gnomAD 0.00019 and 0.00020; ESP Exome Variant Server 0.00023; TOPMed 0.00026; 1000 Genomes Project 30x 0.00047; 1000 Genomes Project 0.00060.
gnomAD v4.1: 102 of 1,613,972 alleles (0.0063%); highest among the groups gnomAD compares: Middle Eastern, 0.05%; 1 homozygote.

Submissions (3):

Labcorp Genetics (formerly Invitae), Labcorp
Classification: Uncertain significance. Last evaluated: 2026-01-05. Review status: criteria provided, single submitter. Criteria: Invitae Variant Classification Sherloc (09022015). Collection method: clinical testing. Allele origin: germline.
Comment: This sequence change replaces arginine, which is basic and polar, with cysteine, which is neutral and slightly polar, at codon 523 of the AGBL5 protein (p.Arg523Cys). This variant is present in population databases (rs142022074, gnomAD 0.02%). This variant has not been reported in the literature in individuals affected with AGBL5-related conditions. ClinVar contains an entry for this variant (Variation ID: 943364). An algorithm developed to predict the effect of missense changes on protein structure and function (PolyPhen-2) suggests that this variant is likely to be disruptive. In summary, the available evidence is currently insufficient to determine the role of this variant in disease. Therefore, it has been classified as a Variant of Uncertain Significance.

Blueprint Genetics
Classification: Uncertain significance. Last evaluated: 2024-10-29. Review status: criteria provided, single submitter. Criteria: ACMG Guidelines, 2015. Collection method: clinical testing. Allele origin: germline.

Ambry Genetics
Classification: Uncertain significance for Inborn genetic diseases. Last evaluated: 2022-08-17. Review status: criteria provided, single submitter. Criteria: Ambry Variant Classification Scheme 2023. Collection method: clinical testing. Allele origin: germline.